The following is an entry in ClinVar:

NM_015915.5(ATL1):c.1526A>C (p.Gln509Pro)

Gene: ATL1 (atlastin GTPase 1; plus strand). Cytogenetic location: 14q22.1.
Variant type: single nucleotide variant.
Coding change: c.1526A>C on transcript NM_015915.5 (MANE Select); coding-DNA position 1526, A replaced by C.
Protein change: p.Gln509Pro; replaces glutamine 509 with proline.
Molecular consequence: missense variant.
Genome position (GRCh38, 1-based): chr14:50,628,437, A>C. VCF-style: chr14-50628437-A-C. GRCh37 (hg19) VCF-style: chr14-51095155-A-C.
Other names: c.1526A>C, p.Gln509Pro (NM_001127713.1, NM_181598.4); short protein forms Q509P.
Identifiers: ClinVar variation 4852487 (VCV004852487.2).

ClinVar aggregate classification (germline): Likely pathogenic (1 of 4 stars; one submission).

Conditions:
Hereditary spastic paraplegia 3A (SPG3A). Also called: SPASTIC PARAPLEGIA 3, AUTOSOMAL DOMINANT; FAMILIAL SPASTIC PARAPLEGIA, AUTOSOMAL DOMINANT, 1; SPG3; STRUMPELL DISEASE; Spastic Paraplegia 3A; Spastic paraplegia 3A, autosomal dominant. Identifiers: Orphanet 100984, MedGen C2931355, MONDO:0008437, OMIM 182600.

Submission:

Genetic Foundation of Khorasan Razavi (GFKR)
Classification: Likely pathogenic for Hereditary spastic paraplegia 3A. Last evaluated: 2024-05-09. Review status: criteria provided, single submitter. Criteria: ACMG Guidelines, 2015. Collection method: clinical testing. Allele origin: germline. Inheritance: Autosomal recessive inheritance. Affected: yes. Observed: 1 variant allele, 1 homozygote.
Comment: PM1 (Moderate): The variant affects a conserved residue in a potentially functionally relevant region of ATL1. Application requires confirmation of a critical functional domain or mutational hotspot. PM2_Supporting: The variant is absent or extremely rare in population databases, pending verification. PP1 (Supporting): Family segregation analysis demonstrated co-segregation of the variant with the disease phenotype. The strength should be verified against the number of informative segregations. PP2 (Supporting): Missense variation is an established mechanism of ATL1-related disease; gene- and disease-specific applicability requires confirmation. PP3 (Supporting): Computational predictions support a deleterious effect on protein function; calibrated scores should be documented. The original criteria combination supports LP. Following the ClinGen SVI reduction of PM2 to Supporting, the proposed criteria do not independently reach LP unless additional evidence or increased criterion strength is justified.